The following is an entry in ClinVar:

ClinVar aggregate classification (germline): Likely benign (1 of 4 stars; one submission).

Submission:

CeGaT Center for Human Genetics Tuebingen
Classification: Likely benign. Last evaluated: 2022-10-01. Review status: criteria provided, single submitter. Criteria: CeGaT Center For Human Genetics Tuebingen Variant Classification Criteria Version 2. Collection method: clinical testing. Allele origin: germline. Affected: yes. Observed: 1 variant allele.
Comment: EMD: PM2:Supporting, BP4, BP7

NM_000117.3(EMD):c.648G>A (p.Gly216=)

Gene: EMD (emerin; plus strand). Cytogenetic location: Xq28.
Variant type: single nucleotide variant.
Coding change: c.648G>A on transcript NM_000117.3 (MANE Select); coding-DNA position 648, G replaced by A.
Protein change: p.Gly216=; no amino-acid change (glycine 216 retained).
Molecular consequence: synonymous variant.
Genome position (GRCh38, 1-based): chrX:154,381,080, G>A. VCF-style: chrX-154381080-G-A. GRCh37 (hg19) VCF-style: chrX-153609440-G-A.
Identifiers: ClinVar variation 2661799 (VCV002661799.24), dbSNP rs2522790618, ClinGen allele CA519710109.